The following is an entry in ClinVar:

NM_007294.4(BRCA1):c.4467del (p.Glu1490fs)

Gene: BRCA1 (BRCA1 DNA repair associated; minus strand). Cytogenetic location: 17q21.31.
Variant type: Deletion.
Coding change: c.4467del on transcript NM_007294.4 (MANE Select); coding-DNA position 4467, one base deleted (A; older notation c.4467delA).
Protein change: p.Glu1490fs; shifts the reading frame from glutamic acid 1490.
Molecular consequence: frameshift variant. On other transcripts: non-coding transcript variant (1).
Genome position (GRCh38, 1-based): chr17:43,076,505, T deleted on the plus strand (A on the coding strand, the reverse complement: BRCA1 is on the minus strand); the first of 3 consecutive T bases (chr17:43,076,505-43,076,507); deleting any one gives the same sequence. VCF-style (leftmost placement, unchanged base first): chr17-43076504-CT-C. GRCh37 (hg19) VCF-style: chr17-41228521-CT-C.
Other names: c.652delA, p.Glu219Asnfs (NM_001408512.1); c.4326del, p.Glu1443fs (NM_007297.4); c.1153delA, p.Glu386Asnfs (NM_007298.4, NM_007304.2, NM_001407979.1 and 12 more transcripts); c.1155del, p.Glu386fs (NM_007299.4); c.4530del, p.Glu1511fs (NM_007300.4); c.4467delA (NM_007294.3); c.4252delA, p.Glu1419Asnfs (NM_001407571.1, NM_001407894.1, NM_001407895.1 and 12 more transcripts); c.4531delA, p.Glu1512Asnfs (NM_001407581.1, NM_001407582.1); and 72 more; short protein forms E1443fs, E1490fs, E1511fs, E386fs.
Identifiers: ClinVar variation 1687131 (VCV001687131.7), dbSNP rs2154059325, ClinGen allele CA2573153988.

ClinVar aggregate classification (germline): Pathogenic. Review status: criteria provided, single submitter (1 of 4 stars). 2 submissions from 2 submitters: Pathogenic (1). 1 of the submissions does not count toward it. Last evaluated 2022-08-22.

Conditions:
Hereditary breast ovarian cancer syndrome. Also called: Hereditary breast and ovarian cancer syndrome; Hereditary breast and ovarian cancer syndrome (HBOC); Breast and ovarian cancer; Hereditary breast and ovarian cancer; Hereditary breast and/or ovarian cancer syndrome; BRCA1- and BRCA2-Associated Hereditary Breast and Ovarian Cancer. Identifiers: Orphanet 145, MedGen C0677776, MeSH D061325, MONDO:0003582. Disease mechanism: loss of function.
Familial cancer of breast. Also called: BREAST CANCER, FAMILIAL; Hereditary breast cancer; hereditary breast carcinoma. Identifiers: Orphanet 227535, MedGen C0346153, MONDO:0016419, OMIM 114480. Disease mechanism: loss of function.

Submissions (2):

Labcorp Genetics (formerly Invitae), Labcorp
Classification: Pathogenic for Hereditary breast ovarian cancer syndrome. Last evaluated: 2022-08-22. Review status: criteria provided, single submitter. Criteria: Invitae Variant Classification Sherloc (09022015). Collection method: clinical testing. Allele origin: germline.
Comment: For these reasons, this variant has been classified as Pathogenic. ClinVar contains an entry for this variant (Variation ID: 1687131). This variant has not been reported in the literature in individuals affected with BRCA1-related conditions. This variant is not present in population databases (gnomAD no frequency). This sequence change creates a premature translational stop signal (p.Glu1490Asnfs*15) in the BRCA1 gene. It is expected to result in an absent or disrupted protein product. Loss-of-function variants in BRCA1 are known to be pathogenic (PMID: 20104584).

Center for Precision Medicine, Meizhou People's Hospital
Classification: Pathogenic for Familial cancer of breast. Review status: no assertion criteria provided. Collection method: literature only. Allele origin: germline. Affected: yes. Not counted in ClinVar's aggregate classification.

Literature cited by the submitters: PubMed 20104584 (cited by Labcorp Genetics (formerly Invitae), Labcorp); PubMed 30209399 (cited by Center for Precision Medicine, Meizhou People's Hospital).